The following is an entry in ClinVar:

ClinVar aggregate classification (germline): Uncertain significance. Review status: criteria provided, multiple submitters, no conflicts (2 of 4 stars). 5 submissions from 4 submitters: Uncertain significance (4). 1 of the submissions does not count toward it. Last evaluated 2026-01-12.

Conditions:
Retinal dystrophy. Also called: Inherited retinal dystrophy. Identifiers: Orphanet 71862, MedGen C0854723, MeSH D058499, MONDO:0019118, HP:0000556.
Retinitis pigmentosa 39 (RP39). Identifiers: Orphanet 791, MedGen C3151138, MONDO:0013436, OMIM 613809.
Usher syndrome type 2A. Also called: RETINAL DISEASE IN USHER SYNDROME TYPE IIA, MODIFIER OF; USHER SYNDROME, TYPE IIA. Identifiers: Orphanet 231178, Orphanet 886, MedGen C1848634, MONDO:0010169, OMIM 276901.

Allele frequency attached by ClinVar (database versions not stated): gnomAD 0.00001; TOPMed 0.00001.
gnomAD v4.1: 17 of 1,613,992 alleles (0.0011%); highest among the groups gnomAD compares: Non-Finnish European, 0.0014%; no homozygotes.

Submissions (5):

Labcorp Genetics (formerly Invitae), Labcorp
Classification: Uncertain significance. Last evaluated: 2026-01-12. Review status: criteria provided, single submitter. Criteria: Invitae Variant Classification Sherloc (09022015). Collection method: clinical testing. Allele origin: germline.
Comment: This sequence change replaces aspartic acid, which is acidic and polar, with histidine, which is basic and polar, at codon 3288 of the USH2A protein (p.Asp3288His). This variant is not present in population databases (gnomAD no frequency). This missense change has been observed in individual(s) with Usher syndrome (PMID: 27460420). ClinVar contains an entry for this variant (Variation ID: 557966). Invitae Evidence Modeling of protein sequence and biophysical properties (such as structural, functional, and spatial information, amino acid conservation, physicochemical variation, residue mobility, and thermodynamic stability) has been performed for this missense variant. However, the output from this modeling did not meet the statistical confidence thresholds required to predict the impact of this variant on USH2A protein function. In summary, the available evidence is currently insufficient to determine the role of this variant in disease. Therefore, it has been classified as a Variant of Uncertain Significance.

Genome-Nilou Lab
Classification: Uncertain significance for Retinitis pigmentosa 39. Last evaluated: 2023-11-04. Review status: criteria provided, single submitter. Criteria: ACMG Guidelines, 2015. Collection method: clinical testing. Allele origin: germline. Affected: no.

Genome-Nilou Lab
Classification: Uncertain significance for Usher syndrome type 2A. Last evaluated: 2023-11-04. Review status: criteria provided, single submitter. Criteria: ACMG Guidelines, 2015. Collection method: clinical testing. Allele origin: germline. Affected: no.

Dept Of Ophthalmology, Nagoya University
Classification: Uncertain significance for Retinal dystrophy. Last evaluated: 2023-10-01. Review status: criteria provided, single submitter. Criteria: Submitter's publication. Collection method: research. Allele origin: germline. Affected: yes.

Counsyl
Classification: Uncertain significance for Usher syndrome type 2A; Retinitis pigmentosa 39. Last evaluated: 2018-04-18. Review status: no assertion criteria provided. Collection method: clinical testing. Allele origin: unknown. Not counted in ClinVar's aggregate classification.

Literature cited by the submitters: PubMed 27460420 (cited by Labcorp Genetics (formerly Invitae), Labcorp and Counsyl).

NM_206933.4(USH2A):c.9862G>C (p.Asp3288His)

Gene: USH2A (usherin; minus strand). Cytogenetic location: 1q41.
Variant type: single nucleotide variant.
Coding change: c.9862G>C on transcript NM_206933.4 (MANE Select); coding-DNA position 9862, G replaced by C.
Protein change: p.Asp3288His; replaces aspartic acid 3288 with histidine.
Molecular consequence: missense variant.
Genome position (GRCh38, 1-based): chr1:215,799,003, C>G on the plus strand (G>C on the coding strand, the complement: USH2A is on the minus strand). VCF-style: chr1-215799003-C-G. GRCh37 (hg19) VCF-style: chr1-215972345-C-G.
Other names: short protein forms D3288H.
Identifiers: ClinVar variation 557966 (VCV000557966.7), dbSNP rs1334903455, ClinGen allele CA344849089.